The following is an entry in ClinVar:

NM_004523.4(KIF11):c.2049dup (p.Asn684Ter)

Gene: KIF11 (kinesin family member 11; plus strand). Cytogenetic location: 10q23.33.
Variant type: Duplication.
Coding change: c.2049dup on transcript NM_004523.4 (MANE Select); coding-DNA position 2049, one base duplicated (T; older notation c.2049dupT).
Protein change: p.Asn684Ter; replaces asparagine 684 with a stop codon.
Molecular consequence: nonsense.
Genome position (GRCh38, 1-based): chr10:92,637,434, T duplicated. VCF-style (leftmost placement, unchanged base first): chr10-92637433-G-GT. GRCh37 (hg19) VCF-style: chr10-94397190-G-GT.
Other names: short protein forms N684*.
Identifiers: ClinVar variation 1709900 (VCV001709900.1), dbSNP rs2492525408, ClinGen allele CA2580082329.

ClinVar aggregate classification (germline): Pathogenic (1 of 4 stars; one submission).

Conditions:
Microcephaly with or without chorioretinopathy, lymphedema, or impaired intellectual development. Also called: MICROCEPHALY AND CHORIORETINOPATHY WITH OR WITHOUT MENTAL RETARDATION, AUTOSOMAL DOMINANT; MICROCEPHALY, LYMPHEDEMA, CHORIORETINAL DYSPLASIA SYNDROME; Microcephaly with or without chorioretinopathy, lymphedema, or intellectual disability; Microcephaly with or without chorioretinopathy, lymphedema, or mental retardation; Microcephaly lymphedema chorioretinal dysplasia. Identifiers: Orphanet 2526, MedGen C1835265, MONDO:0007918, OMIM 152950.

Submission:

MGZ Medical Genetics Center
Classification: Pathogenic for Microcephaly with or without chorioretinopathy, lymphedema, or impaired intellectual development. Last evaluated: 2021-07-09. Review status: criteria provided, single submitter. Criteria: ACMG Guidelines, 2015. Collection method: clinical testing. Allele origin: germline. Affected: yes. Observed: 1 variant allele.
Comment: ACMG criteria applied: PVS1, PS2_MOD, PM2_SUP